The following is an entry in ClinVar:

ClinVar aggregate classification (germline): Uncertain significance (1 of 4 stars; one submission).

Conditions:
DOCK2 deficiency. Also called: Immunodeficiency 40. Identifiers: Orphanet 447737, MedGen C4225328, MONDO:0014637, OMIM 616433.

Allele frequency attached by ClinVar (database versions not stated): gnomAD 0.00001; ExAC 0.00001; TOPMed 0.00001; gnomAD exomes 0.00001.

Submission:

Labcorp Genetics (formerly Invitae), Labcorp
Classification: Uncertain significance for DOCK2 deficiency. Last evaluated: 2022-09-01. Review status: criteria provided, single submitter. Criteria: Invitae Variant Classification Sherloc (09022015). Collection method: clinical testing. Allele origin: germline.
Comment: This sequence change replaces arginine, which is basic and polar, with histidine, which is basic and polar, at codon 113 of the DOCK2 protein (p.Arg113His). This variant is present in population databases (rs750421267, gnomAD 0.002%). This variant has not been reported in the literature in individuals affected with DOCK2-related conditions. ClinVar contains an entry for this variant (Variation ID: 542610). Algorithms developed to predict the effect of missense changes on protein structure and function (SIFT, PolyPhen-2, Align-GVGD) all suggest that this variant is likely to be tolerated. In summary, the available evidence is currently insufficient to determine the role of this variant in disease. Therefore, it has been classified as a Variant of Uncertain Significance.

NM_004946.3(DOCK2):c.338G>A (p.Arg113His)

Gene: DOCK2 (dedicator of cytokinesis 2; plus strand). Cytogenetic location: 5q35.1.
Variant type: single nucleotide variant.
Coding change: c.338G>A on transcript NM_004946.3 (MANE Select); coding-DNA position 338, G replaced by A.
Protein change: p.Arg113His; replaces arginine 113 with histidine.
Molecular consequence: missense variant. On other transcripts: non-coding transcript variant (1).
Genome position (GRCh38, 1-based): chr5:169,674,313, G>A. VCF-style: chr5-169674313-G-A. GRCh37 (hg19) VCF-style: chr5-169101317-G-A.
Other names: c.338G>A, p.Arg113His (LRG_1227t1); short protein forms R113H.
Identifiers: ClinVar variation 542610 (VCV000542610.9), dbSNP rs750421267, ClinGen allele CA3553150.
Genomic context (GRCh38, chr5:169,674,313, plus strand): 5'-GCCCCTTTAACACAGGTAATTATGGGTTGTTTCTTGTCTCCTAGGCCAGCAAAAAGGAGC[G>A]TTTTCTCCAGGTGCAGTCCATGATGTACGATCTGATGGAGTGGAGGTCCCAGCTTCTCTC-3'
Protein context (NP_004937.1, residues 103-123): KQLYVASKKE[Arg113His]FLQVQSMMYD